The following is an entry in ClinVar:

ClinVar aggregate classification (germline): Pathogenic/Likely pathogenic. Review status: criteria provided, multiple submitters, no conflicts (2 of 4 stars). 4 submissions from 4 submitters: Pathogenic (2); Likely pathogenic (2). Last evaluated 2025-12-22.

Conditions:
Congenital hyperammonemia, type I. Also called: CPS I DEFICIENCY; Carbamoyl phosphate synthetase 1 deficiency; Hyperammonemia due to carbamoyl phosphate synthetase 1 deficiency; CPS 1 deficiency; Carbamyl phosphate synthetase (CPS) deficiency; Carbamoyl-phosphate synthase I deficiency. Identifiers: Orphanet 147, MedGen C4082171, MONDO:0009376, OMIM 237300.
Pulmonary hypertension, neonatal, susceptibility to (PHN). Identifiers: MedGen C3714958, MONDO:0014151, OMIM 615371.

Submissions (4):

Natera, Inc.
Classification: Likely pathogenic for Carbamoyl-phosphate synthase I deficiency. Last evaluated: 2025-12-22. Review status: criteria provided, single submitter. Criteria: Natera Variant Classification Schema (03/2026). Collection method: clinical testing. Allele origin: germline.
Comment: The c.2525del variant in CPS1 is a frameshift variant predicted to shift the reading frame beginning at codon 842 and leads to a stop codon 44 codons downstream. This variant is expected to result in nonsense mediated decay, truncation, or a dysfunctional protein product. This variant is rare in the general population with a frequency below the threshold expected for the associated phenotype(s). Given the available evidence, this variant is classified as Likely Pathogenic.

Myriad Genetics, Inc.
Classification: Pathogenic for Congenital hyperammonemia, type I. Last evaluated: 2024-05-08. Review status: criteria provided, single submitter. Criteria: Myriad Autosomal Dominant, Autosomal Recessive and X-Linked Classification Criteria (2023). Collection method: clinical testing. Allele origin: unknown.
Comment: NM_001875.4(CPS1):c.2525delA(E842Gfs*44) is expected to be pathogenic in the context of carbamoylphosphate synthetase I deficiency. This variant is predicted to lead to an abnormal or absent protein product due to the creation of a premature termination codon in CPS1, a gene where loss-of-function variants are known to be pathogenic. Please note: this variant was assessed in the context of healthy population screening.

Baylor Genetics
Classification: Likely pathogenic for Pulmonary hypertension, neonatal, susceptibility to. Last evaluated: 2023-11-15. Review status: criteria provided, single submitter. Criteria: ACMG Guidelines, 2015. Collection method: clinical testing. Allele origin: unknown.

Labcorp Genetics (formerly Invitae), Labcorp
Classification: Pathogenic for Congenital hyperammonemia, type I. Last evaluated: 2022-10-19. Review status: criteria provided, single submitter. Criteria: Invitae Variant Classification Sherloc (09022015). Collection method: clinical testing. Allele origin: germline.
Comment: This sequence change creates a premature translational stop signal (p.Glu842Glyfs*44) in the CPS1 gene. It is expected to result in an absent or disrupted protein product. Loss-of-function variants in CPS1 are known to be pathogenic (PMID: 21120950). For these reasons, this variant has been classified as Pathogenic. Algorithms developed to predict the effect of sequence changes on RNA splicing suggest that this variant may disrupt the consensus splice site. This variant has not been reported in the literature in individuals affected with CPS1-related conditions. This variant is not present in population databases (gnomAD no frequency).

Literature cited by the submitters: PubMed 21120950 (cited by Labcorp Genetics (formerly Invitae), Labcorp).

NM_001875.5(CPS1):c.2525del (p.Glu842fs)

Gene: CPS1 (carbamoyl-phosphate synthase 1; plus strand). Cytogenetic location: 2q34.
Variant type: Deletion.
Coding change: c.2525del on transcript NM_001875.5 (MANE Select); coding-DNA position 2525, one base deleted (A; older notation c.2525delA).
Protein change: p.Glu842fs; shifts the reading frame from glutamic acid 842.
Molecular consequence: frameshift variant. On other transcripts: non-coding transcript variant (2).
Genome position (GRCh38, 1-based): chr2:210,612,250, A deleted. VCF-style (leftmost placement, unchanged base first): chr2-210612249-GA-G. GRCh37 (hg19) VCF-style: chr2-211476973-GA-G.
Other names: c.2525del, p.Glu842fs (NM_001122633.3, NM_001369257.1); c.2558del, p.Glu853fs (NM_001369256.1); c.2525del (NM_001875.4); short protein forms E853fs, E842fs.
Identifiers: ClinVar variation 2036112 (VCV002036112.8), dbSNP rs2469186899, ClinGen allele CA2580065552.
Genomic context (GRCh38, chr2:210,612,249, plus strand): 5'-GGTTTCACTCCCCGTCTCCCAATGAACAAAGAATGGCCATCTAATTTAGATCTTAGAAAA[GA>G]GTTGTCTGAACCAAGCAGCACGCGTATCTATGCCATTGCCAAGGTAAGATGTTACAAGGG-3'